The following is an entry in ClinVar:

ClinVar aggregate classification (germline): Uncertain significance (1 of 4 stars; one submission).

Conditions:
Nemaline myopathy 2 (NEM2). Also called: Nemaline myopathy 2, autosomal recessive. Identifiers: MedGen C1850569, MONDO:0009725, OMIM 256030.

Submission:

Labcorp Genetics (formerly Invitae), Labcorp
Classification: Uncertain significance for Nemaline myopathy 2. Last evaluated: 2022-07-09. Review status: criteria provided, single submitter. Criteria: Invitae Variant Classification Sherloc (09022015). Collection method: clinical testing. Allele origin: germline.
Comment: In summary, the available evidence is currently insufficient to determine the role of this variant in disease. Therefore, it has been classified as a Variant of Uncertain Significance. Algorithms developed to predict the effect of missense changes on protein structure and function are either unavailable or do not agree on the potential impact of this missense change (SIFT: "Deleterious"; PolyPhen-2: "Not Available"; Align-GVGD: "Class C0"). This variant has not been reported in the literature in individuals affected with NEB-related conditions. This variant is not present in population databases (gnomAD no frequency). This sequence change replaces isoleucine, which is neutral and non-polar, with arginine, which is basic and polar, at codon 2422 of the NEB protein (p.Ile2422Arg).

NM_001164508.2(NEB):c.7265T>G (p.Ile2422Arg)

Gene: NEB (nebulin; minus strand). Cytogenetic location: 2q23.3.
Variant type: single nucleotide variant.
Coding change: c.7265T>G on transcript NM_001164508.2 (MANE Select); coding-DNA position 7265, T replaced by G.
Protein change: p.Ile2422Arg; replaces isoleucine 2422 with arginine.
Molecular consequence: missense variant.
Genome position (GRCh38, 1-based): chr2:151,650,342, A>C on the plus strand (T>G on the coding strand, the complement: NEB is on the minus strand). VCF-style: chr2-151650342-A-C. GRCh37 (hg19) VCF-style: chr2-152506856-A-C.
Other names: c.7265T>G, p.Ile2422Arg (NM_001164507.2, NM_001271208.2, NM_004543.5); short protein forms I2422R.
Identifiers: ClinVar variation 2185572 (VCV002185572.4), dbSNP rs1407860690, ClinGen allele CA348788619.